The following is an entry in ClinVar:

ClinVar aggregate classification (germline): Uncertain significance (1 of 4 stars; one submission).

gnomAD v4.1: 2 of 1,613,530 alleles (0.00012%); highest among the groups gnomAD compares: African/African-American, 0.0027%; no homozygotes.

Submission:

GeneDx
Classification: Uncertain significance. Last evaluated: 2025-06-16. Review status: criteria provided, single submitter. Criteria: GeneDx Variant Classification Process June 2021. Collection method: clinical testing. Allele origin: germline. Affected: yes.
Comment: Not observed at significant frequency in large population cohorts (gnomAD); In silico analysis suggests that this missense variant does not alter protein structure/function; Has not been previously published as pathogenic or benign to our knowledge

NM_005559.4(LAMA1):c.5089C>G (p.Gln1697Glu)

Gene: LAMA1 (laminin subunit alpha 1; minus strand). Cytogenetic location: 18p11.31.
Variant type: single nucleotide variant.
Coding change: c.5089C>G on transcript NM_005559.4 (MANE Select); coding-DNA position 5089, C replaced by G.
Protein change: p.Gln1697Glu; replaces glutamine 1697 with glutamic acid.
Molecular consequence: missense variant.
Genome position (GRCh38, 1-based): chr18:6,992,640, G>C on the plus strand (C>G on the coding strand, the complement: LAMA1 is on the minus strand). VCF-style: chr18-6992640-G-C. GRCh37 (hg19) VCF-style: chr18-6992639-G-C.
Other names: short protein forms Q1697E.
Identifiers: ClinVar variation 4538710 (VCV004538710.1).